The following is an entry in ClinVar:

NM_005219.5(DIAPH1):c.1511del (p.Lys504fs)

Gene: DIAPH1 (diaphanous related formin 1; minus strand). Cytogenetic location: 5q31.3.
Variant type: Deletion.
Coding change: c.1511del on transcript NM_005219.5 (MANE Select); coding-DNA position 1511, one base deleted (A; older notation c.1511delA).
Protein change: p.Lys504fs; shifts the reading frame from lysine 504.
Molecular consequence: frameshift variant.
Genome position (GRCh38, 1-based): chr5:141,575,097, T deleted on the plus strand (A on the coding strand, the reverse complement: DIAPH1 is on the minus strand); the first of 5 consecutive T bases (chr5:141,575,097-141,575,101); deleting any one gives the same sequence. VCF-style (leftmost placement, unchanged base first): chr5-141575096-CT-C. GRCh37 (hg19) VCF-style: chr5-140954663-CT-C.
Other names: c.1484del, p.Lys495fs (NM_001079812.3); c.1511del, p.Lys504fs (NM_001314007.2); short protein forms K495fs, K504fs.
Identifiers: ClinVar variation 2631470 (VCV002631470.1), dbSNP rs758562288, ClinGen allele CA3479268.

ClinVar aggregate classification (germline): Likely pathogenic (1 of 4 stars; one submission).

Conditions:
DIAPH1-related disorder. Also called: DIAPH1-related condition.

Submission:

PreventionGenetics, part of Exact Sciences
Classification: Likely pathogenic for DIAPH1-related condition. Last evaluated: 2023-07-13. Review status: criteria provided, single submitter. Criteria: ACMG Guidelines, 2015. Collection method: clinical testing. Allele origin: germline.
Comment: The DIAPH1 c.1511delA variant is predicted to result in a frameshift and premature protein termination (p.Lys504Argfs*48). To our knowledge, this variant has not been reported in the literature. This variant is reported in 0.00088% of alleles in individuals of European (Non-Finnish) descent in gnomAD. Frameshift variants in DIAPH1 are expected to be pathogenic. This variant is interpreted as likely pathogenic.